The following is an entry in ClinVar:

NM_017875.4(SLC25A38):c.792+240T>C

Gene: SLC25A38 (solute carrier family 25 member 38; plus strand). Cytogenetic location: 3p22.1.
Variant type: single nucleotide variant.
Coding change: c.792+240T>C on transcript NM_017875.4 (MANE Select); 240 bases into the intron after coding-DNA position 792, T replaced by C.
Molecular consequence: intron variant.
Genome position (GRCh38, 1-based): chr3:39,394,816, T>C. VCF-style: chr3-39394816-T-C. GRCh37 (hg19) VCF-style: chr3-39436307-T-C.
Other names: c.626-1582T>C (NM_001354798.2).
Identifiers: ClinVar variation 683975 (VCV000683975.1), dbSNP rs67353739, ClinGen allele CA15261868.

ClinVar aggregate classification (germline): Benign (1 of 4 stars; one submission).

Allele frequency attached by ClinVar (database versions not stated): gnomAD 0.26434; 1000 Genomes Project 0.25080; 1000 Genomes Project 30x 0.25187; TOPMed 0.25999.
gnomAD v4.1: 40,642 of 152,004 alleles (27%); highest among the groups gnomAD compares: Non-Finnish European, 32%; 5,998 homozygotes.

Submission:

GeneDx
Classification: Benign. Last evaluated: 2018-06-14. Review status: criteria provided, single submitter. Criteria: GeneDx Variant Classification (06012015). Collection method: clinical testing. Allele origin: germline. Affected: yes.
Comment: This variant is considered likely benign or benign based on one or more of the following criteria: it is a conservative change, it occurs at a poorly conserved position in the protein, it is predicted to be benign by multiple in silico algorithms, and/or has population frequency not consistent with disease.